The following is an entry in ClinVar:

NM_170606.3(KMT2C):c.3598T>G (p.Ser1200Ala)

Gene: KMT2C (lysine methyltransferase 2C; minus strand). Cytogenetic location: 7q36.1.
Variant type: single nucleotide variant.
Coding change: c.3598T>G on transcript NM_170606.3 (MANE Select); coding-DNA position 3598, T replaced by G.
Protein change: p.Ser1200Ala; replaces serine 1200 with alanine.
Molecular consequence: missense variant.
Genome position (GRCh38, 1-based): chr7:152,220,637, A>C on the plus strand (T>G on the coding strand, the complement: KMT2C is on the minus strand). VCF-style: chr7-152220637-A-C. GRCh37 (hg19) VCF-style: chr7-151917722-A-C.
Other names: short protein forms S1200A.
Identifiers: ClinVar variation 4853011 (VCV004853011.1).
Genomic context (GRCh38, chr7:152,220,637, plus strand): 5'-GGGTCTGAAGGACGGCCACGCTATTCTGATTTATAATCTTCAATTTCAATTTTGGTTTTG[A>C]CCGTTTTCTTCTTGGAACTGTAACTGTGAGGCTCTGTAACTGAGTCATCCCTGATTCAGT-3'
Protein context (NP_733751.2, residues 1190-1210): LTVTVPRRKR[Ser1200Ala]KPKLKLKIIN

ClinVar aggregate classification (germline): Uncertain significance (1 of 4 stars; one submission).

Submission:

Women's Health and Genetics/Laboratory Corporation of America, LabCorp
Classification: Uncertain significance. Last evaluated: 2026-05-18. Review status: criteria provided, single submitter. Criteria: LabCorp Variant Classification Summary - May 2015. Collection method: clinical testing. Allele origin: germline.
Comment: Variant summary: KMT2C c.3598T>G (p.Ser1200Ala) results in a conservative amino acid change in the encoded protein sequence. Algorithms developed to predict the effect of missense changes on protein structure and function all suggest that this variant is likely to be tolerated. The variant was absent in 251106 control chromosomes. The available data on variant occurrences in the general population are insufficient to allow any conclusion about variant significance. To our knowledge, no occurrence of c.3598T>G in individuals affected with KMT2C-related conditions and no experimental evidence demonstrating its impact on protein function have been reported. No submitters have cited clinical-significance assessments for this variant to ClinVar. Based on the evidence outlined above, the variant was classified as uncertain significance.